The following is an entry in ClinVar:

NM_005862.3(STAG1):c.882T>C (p.Gly294=)

Gene: STAG1 (STAG1 cohesin complex component; minus strand). Cytogenetic location: 3q22.3.
Variant type: single nucleotide variant.
Coding change: c.882T>C on transcript NM_005862.3 (MANE Select); coding-DNA position 882, T replaced by C.
Protein change: p.Gly294=; no amino-acid change (glycine 294 retained).
Molecular consequence: synonymous variant.
Genome position (GRCh38, 1-based): chr3:136,500,243, A>G on the plus strand (T>C on the coding strand, the complement: STAG1 is on the minus strand). VCF-style: chr3-136500243-A-G. GRCh37 (hg19) VCF-style: chr3-136219085-A-G.
Identifiers: ClinVar variation 715761 (VCV000715761.40), dbSNP rs114980494, ClinGen allele CA2633077.
Genomic context (GRCh38, chr3:136,500,243, plus strand): 5'-TAAGTGAAAAGCCTTCAAAATTATTTTTAAAATCTCTTACCGGTATCTATGAACAAATAT[A>G]CCCTTAAAAATAGAGTTCATCATATTTTCGATTTCATCCTGATTTTCTTGCAGCTGAAAT-3'
Protein context (NP_005853.2, residues 284-304): IENMMNSIFK[Gly294=]IFVHRYRDAI

ClinVar aggregate classification (germline): Benign/Likely benign. Review status: criteria provided, multiple submitters, no conflicts (2 of 4 stars). 4 submissions from 4 submitters: Benign (3); Likely benign (1). Last evaluated 2026-09-01.

Allele frequency attached by ClinVar (database versions not stated): 1000 Genomes Project 0.00200; 1000 Genomes Project 30x 0.00234; TOPMed 0.00266; gnomAD 0.00318 and 0.00328; gnomAD exomes 0.00333 and 0.00431; ESP Exome Variant Server 0.00371; ExAC 0.00422.
gnomAD v4.1: 6,566 of 1,581,614 alleles (0.42%); highest among the groups gnomAD compares: Non-Finnish European, 0.49%; 12 homozygotes.

Submissions (4):

CeGaT Center for Human Genetics Tuebingen
Classification: Likely benign. Last evaluated: 2026-09-01. Review status: criteria provided, single submitter. Criteria: CeGaT Center For Human Genetics Tuebingen Variant Classification Criteria Version 2. Collection method: clinical testing. Allele origin: germline. Affected: yes. Observed: 20 variant alleles.
Comment: STAG1: BP4, BP7, BS2

Labcorp Genetics (formerly Invitae), Labcorp
Classification: Benign. Last evaluated: 2026-01-12. Review status: criteria provided, single submitter. Criteria: Invitae Variant Classification Sherloc (09022015). Collection method: clinical testing. Allele origin: germline.

Blueprint Genetics
Classification: Benign. Last evaluated: 2024-11-25. Review status: criteria provided, single submitter. Criteria: ACMG Guidelines, 2015. Collection method: clinical testing. Allele origin: germline.

Breakthrough Genomics
Classification: Benign. Review status: criteria provided, single submitter. Criteria: ACMG Guidelines, 2015. Collection method: not provided. Allele origin: germline. Inheritance: Autosomal dominant inheritance. Affected: yes.